The following is an entry in ClinVar:

NM_000051.4(ATM):c.*8T>G

Genes: ATM (ATM serine/threonine kinase; plus strand), C11orf65 (chromosome 11 open reading frame 65; minus strand). Cytogenetic location: 11q22.3.
Variant type: single nucleotide variant.
Coding change: c.*8T>G on transcript NM_000051.4 (MANE Select); 8 bases downstream of the stop codon, T replaced by G.
Molecular consequence: 3 prime UTR variant. On other transcripts: intron variant (2).
Genome position (GRCh38, 1-based): chr11:108,365,516, T>G. VCF-style: chr11-108365516-T-G. GRCh37 (hg19) VCF-style: chr11-108236243-T-G.
Other names: c.*8T>G (NM_001351834.2); c.640+20404A>C (NM_001330368.2); c.694+20404A>C (NM_001351110.2).
Identifiers: ClinVar variation 983282 (VCV000983282.3), dbSNP rs2091263702, ClinGen allele CA1139662290.
Genomic context (GRCh38, chr11:108,365,516, plus strand): 5'-TAGACCCCAAAAATCTCAGCCGACTTTTCCCAGGATGGAAAGCTTGGGTGTGATCTTCAG[T>G]ATATGAATTACCCTTTCATTCAGCCTTTAGAAATTATATTTTAGCCTTTATTTTTAACCT-3'

ClinVar aggregate classification (germline): Benign/Likely benign. Review status: criteria provided, multiple submitters, no conflicts (2 of 4 stars). 2 submissions from 2 submitters: Benign (1); Likely benign (1). Last evaluated 2024-10-01.

Conditions:
Familial cancer of breast. Also called: Hereditary breast cancer; hereditary breast carcinoma; BREAST CANCER, FAMILIAL. Identifiers: Orphanet 227535, MedGen C0346153, MONDO:0016419, OMIM 114480. Disease mechanism: loss of function.

Submissions (2):

Myriad Genetics, Inc.
Classification: Benign for Familial cancer of breast. Last evaluated: 2024-10-01. Review status: criteria provided, single submitter. Criteria: Myriad Autosomal Dominant, Autosomal Recessive and X-Linked Classification Criteria (2023). Collection method: clinical testing. Allele origin: unknown.
Comment: This variant is considered benign. This variant occurs in the non-coding 3' untranslated region of the gene, and is not expected to impact protein function.

GeneDx
Classification: Likely benign. Last evaluated: 2017-07-07. Review status: criteria provided, single submitter. Criteria: GeneDx Variant Classification (06012015). Collection method: clinical testing. Allele origin: germline. Affected: yes.
Comment: This variant is considered likely benign or benign based on one or more of the following criteria: it is a conservative change, it occurs at a poorly conserved position in the protein, it is predicted to be benign by multiple in silico algorithms, and/or has population frequency not consistent with disease.